The following is an entry in ClinVar:

NM_006348.5(COG5):c.1195T>C (p.Tyr399His)

Gene: COG5 (component of oligomeric golgi complex 5; minus strand). Cytogenetic location: 7q22.3.
Variant type: single nucleotide variant.
Coding change: c.1195T>C on transcript NM_006348.5 (MANE Select); coding-DNA position 1195, T replaced by C.
Protein change: p.Tyr399His; replaces tyrosine 399 with histidine.
Molecular consequence: missense variant.
Genome position (GRCh38, 1-based): chr7:107,298,260, A>G on the plus strand (T>C on the coding strand, the complement: COG5 is on the minus strand). VCF-style: chr7-107298260-A-G. GRCh37 (hg19) VCF-style: chr7-106938705-A-G.
Other names: c.1195T>C, p.Tyr399His (NM_001161520.2, NM_001379511.1, NM_001379512.1 and 3 more transcripts); c.625T>C, p.Tyr209His (NM_001379515.1); c.481T>C, p.Tyr161His (NM_001379516.1); short protein forms Y161H, Y399H, Y209H.
Identifiers: ClinVar variation 2095303 (VCV002095303.4), dbSNP rs2536186792, ClinGen allele CA368938641.
Genomic context (GRCh38, chr7:107,298,260, plus strand): 5'-GGTCAACATAGAGGTCTGTAGTTCCACTTGCATTAAAATTCCCTTGGATATGCTGACTGT[A>G]TTGTTGAAGACGCTTCCATAAGTCATTATAAAGACGTAATAATTTAGGGTATTCTCCTTC-3'
Protein context (NP_006339.4, residues 389-409): YNDLWKRLQQ[Tyr399His]SQHIQGNFNA

ClinVar aggregate classification (germline): Uncertain significance (1 of 4 stars; one submission).

Conditions:
COG5-congenital disorder of glycosylation. Also called: CDG IIi; CONGENITAL DISORDER OF GLYCOSYLATION, TYPE IIi; COG5-CDG. Identifiers: Orphanet 263487, MedGen C3150876, MONDO:0013325, OMIM 613612.

Allele frequency attached by ClinVar (database versions not stated): gnomAD exomes 0.00001.
gnomAD v4.1: 5 of 1,613,392 alleles (0.00031%); highest among the groups gnomAD compares: Non-Finnish European, 0.00042%; no homozygotes.

Submission:

Labcorp Genetics (formerly Invitae), Labcorp
Classification: Uncertain significance for COG5-congenital disorder of glycosylation. Last evaluated: 2022-02-08. Review status: criteria provided, single submitter. Criteria: Invitae Variant Classification Sherloc (09022015). Collection method: clinical testing. Allele origin: germline.
Comment: This sequence change replaces tyrosine, which is neutral and polar, with histidine, which is basic and polar, at codon 430 of the COG5 protein (p.Tyr430His). This variant is not present in population databases (gnomAD no frequency). This variant has not been reported in the literature in individuals affected with COG5-related conditions. Algorithms developed to predict the effect of missense changes on protein structure and function are either unavailable or do not agree on the potential impact of this missense change (SIFT: "Deleterious"; PolyPhen-2: "Benign"; Align-GVGD: "Class C0"). In summary, the available evidence is currently insufficient to determine the role of this variant in disease. Therefore, it has been classified as a Variant of Uncertain Significance.